The following is an entry in ClinVar:

ClinVar aggregate classification (germline): Pathogenic (1 of 4 stars; one submission).

Conditions:
Hereditary breast ovarian cancer syndrome. Also called: Hereditary breast and ovarian cancer; Hereditary breast and ovarian cancer syndrome; Breast and ovarian cancer; BRCA1- and BRCA2-Associated Hereditary Breast and Ovarian Cancer; Hereditary breast and/or ovarian cancer syndrome; Hereditary breast and ovarian cancer syndrome (HBOC). Identifiers: Orphanet 145, MedGen C0677776, MeSH D061325, MONDO:0003582. Disease mechanism: loss of function.

Submission:

Women's Health and Genetics/Laboratory Corporation of America, LabCorp
Classification: Pathogenic for Hereditary breast ovarian cancer syndrome. Last evaluated: 2021-01-13. Review status: criteria provided, single submitter. Criteria: LabCorp Variant Classification Summary - May 2015. Collection method: clinical testing. Allele origin: germline.
Comment: Variant summary: The variant identified by MLPA or other technology involves the deletion of exon 21 in the BRCA2 gene. A presumed nomenclature of c.(8632+1_8633-1)_(8754+1_8755-1)del has been designated for the purposes of this classification. Although exact breakpoints of this deletion are not known, it is expected to result in a frameshift deletion change in the BRCA2 gene, a known mechanism of disease. The variant was absent in 21694 control chromosomes (gnomAD, Structural Variants dataset). Deletion of exon 21 has been reported in the literature in multiple individuals affected with Hereditary Breast And Ovarian Cancer Syndrome (e.g. Walsh_2006, Rebbeck_2018, Gao_2020). These data indicate that the variant is very likely to be associated with disease. A ClinVar submitter (evaluation after 2014) cites the variant as pathogenic. Based on the evidence outlined above, the variant was classified as pathogenic.

Literature cited by the submitters: PubMed 16551709; PubMed 29446198; PubMed 31825140.

NC_000013.10:g.(32945238_32950806)_(32950929_32953453)del

Gene: BRCA2 (BRCA2 DNA repair associated; plus strand). Cytogenetic location: 13q13.1.
Variant type: Deletion.
Identifiers: ClinVar variation 996291 (VCV000996291.1).